The following is an entry in ClinVar:

NM_012310.5(KIF4A):c.2385C>T (p.Leu795=)

Gene: KIF4A (kinesin family member 4A; plus strand). Cytogenetic location: Xq13.1.
Variant type: single nucleotide variant.
Coding change: c.2385C>T on transcript NM_012310.5 (MANE Select); coding-DNA position 2385, C replaced by T.
Protein change: p.Leu795=; no amino-acid change (leucine 795 retained).
Molecular consequence: synonymous variant.
Genome position (GRCh38, 1-based): chrX:70,395,823, C>T. VCF-style: chrX-70395823-C-T. GRCh37 (hg19) VCF-style: chrX-69615673-C-T.
Identifiers: ClinVar variation 4084145 (VCV004084145.8).

ClinVar aggregate classification (germline): Likely benign (1 of 4 stars; one submission).

gnomAD v4.1: 142 of 1,209,531 alleles (0.012%); highest among the groups gnomAD compares: Middle Eastern, 0.32%; 1 homozygote.

Submission:

CeGaT Center for Human Genetics Tuebingen
Classification: Likely benign. Last evaluated: 2025-07-01. Review status: criteria provided, single submitter. Criteria: CeGaT Center For Human Genetics Tuebingen Variant Classification Criteria Version 2. Collection method: clinical testing. Allele origin: germline. Affected: yes. Observed: 1 variant allele.
Comment: KIF4A: BP4, BP7, BS2